The following is an entry in ClinVar:

NM_032737.4(LMNB2):c.1420G>A (p.Val474Ile)

Gene: LMNB2 (lamin B2; minus strand). Cytogenetic location: 19p13.3.
Variant type: single nucleotide variant.
Coding change: c.1420G>A on transcript NM_032737.4 (MANE Select); coding-DNA position 1420, G replaced by A.
Protein change: p.Val474Ile; replaces valine 474 with isoleucine.
Molecular consequence: missense variant.
Genome position (GRCh38, 1-based): chr19:2,433,888, C>T on the plus strand (G>A on the coding strand, the complement: LMNB2 is on the minus strand). VCF-style: chr19-2433888-C-T. GRCh37 (hg19) VCF-style: chr19-2433886-C-T.
Other names: c.1360G>A (NM_032737.2); short protein forms V474I.
Identifiers: ClinVar variation 1513653 (VCV001513653.9), dbSNP rs771415464, ClinGen allele CA9067497.

ClinVar aggregate classification (germline): Uncertain significance. Review status: criteria provided, multiple submitters, no conflicts (2 of 4 stars). 2 submissions from 2 submitters: Uncertain significance (2). Last evaluated 2026-01-13.

Conditions:
Progressive myoclonic epilepsy type 9. Identifiers: Orphanet 457265, MedGen C4225289, MONDO:0014685, OMIM 616540.
Lipodystrophy, partial, acquired, susceptibility to (APLD). Also called: APLD, SUSCEPTIBILITY TO. Identifiers: MedGen C3887501, MONDO:0100476, OMIM 608709.

Allele frequency attached by ClinVar (database versions not stated): gnomAD 0.00003; TOPMed 0.00002; ExAC 0.00005.
gnomAD v4.1: 35 of 1,612,534 alleles (0.0022%); highest among the groups gnomAD compares: Admixed American, 0.0033%; no homozygotes.

Submissions (2):

Labcorp Genetics (formerly Invitae), Labcorp
Classification: Uncertain significance for Progressive myoclonic epilepsy type 9; Lipodystrophy, partial, acquired, susceptibility to. Last evaluated: 2026-01-13. Review status: criteria provided, single submitter. Criteria: Invitae Variant Classification Sherloc (09022015). Collection method: clinical testing. Allele origin: germline.
Comment: This sequence change replaces valine, which is neutral and non-polar, with isoleucine, which is neutral and non-polar, at codon 474 of the LMNB2 protein (p.Val474Ile). This variant is present in population databases (rs771415464, gnomAD 0.01%). This variant has not been reported in the literature in individuals affected with LMNB2-related conditions. ClinVar contains an entry for this variant (Variation ID: 1513653). Invitae Evidence Modeling of protein sequence and biophysical properties (such as structural, functional, and spatial information, amino acid conservation, physicochemical variation, residue mobility, and thermodynamic stability) indicates that this missense variant is not expected to disrupt LMNB2 protein function with a negative predictive value of 80%. In summary, the available evidence is currently insufficient to determine the role of this variant in disease. Therefore, it has been classified as a Variant of Uncertain Significance.

Ambry Genetics
Classification: Uncertain significance. Last evaluated: 2024-09-03. Review status: criteria provided, single submitter. Criteria: Ambry Variant Classification Scheme 2023. Collection method: clinical testing. Allele origin: germline.